The following is an entry in ClinVar:

NM_001290321.3(DMXL1):c.3319G>T (p.Asp1107Tyr)

Gene: DMXL1 (Dmx like 1; plus strand). Cytogenetic location: 5q23.1.
Variant type: single nucleotide variant.
Coding change: c.3319G>T on transcript NM_001290321.3 (MANE Select); coding-DNA position 3319, G replaced by T.
Protein change: p.Asp1107Tyr; replaces aspartic acid 1107 with tyrosine.
Molecular consequence: missense variant. On other transcripts: non-coding transcript variant (3).
Genome position (GRCh38, 1-based): chr5:119,149,146, G>T. VCF-style: chr5-119149146-G-T. GRCh37 (hg19) VCF-style: chr5-118484841-G-T.
Other names: c.3319G>T, p.Asp1107Tyr (NM_001349239.2, NM_001349240.2, NM_001387933.1 and 2 more transcripts); c.2614G>T, p.Asp872Tyr (NM_001387937.1); c.2332G>T, p.Asp778Tyr (NM_001387938.1); c.3319G>T (NM_001290321.2); short protein forms D1107Y, D778Y, D872Y.
Identifiers: ClinVar variation 786531 (VCV000786531.6), dbSNP rs139864710, ClinGen allele CA3379920.

ClinVar aggregate classification (germline): Benign. Review status: criteria provided, single submitter (1 of 4 stars). 2 submissions from 2 submitters: Benign (1). 1 of the submissions does not count toward it. Last evaluated 2019-12-31.

Conditions:
DMXL1-related disorder. Also called: DMXL1-related condition.

Allele frequency attached by ClinVar (database versions not stated): ExAC 0.00114; ESP Exome Variant Server 0.00308; gnomAD 0.00354; TOPMed 0.00385; 1000 Genomes Project 0.00499; 1000 Genomes Project 30x 0.00500.
gnomAD v4.1: 1,009 of 1,613,840 alleles (0.063%); highest among the groups gnomAD compares: African/African-American, 1.2%; 4 homozygotes.

Submissions (2):

Labcorp Genetics (formerly Invitae), Labcorp
Classification: Benign. Last evaluated: 2019-12-31. Review status: criteria provided, single submitter. Criteria: Invitae Variant Classification Sherloc (09022015). Collection method: clinical testing. Allele origin: germline.

PreventionGenetics, part of Exact Sciences
Classification: Benign for DMXL1-related condition. Last evaluated: 2019-12-23. Review status: no assertion criteria provided. Collection method: clinical testing. Allele origin: germline. Not counted in ClinVar's aggregate classification.
Comment: This variant is classified as benign based on ACMG/AMP sequence variant interpretation guidelines (Richards et al. 2015 PMID: 25741868, with internal and published modifications).